The following is an entry in ClinVar:

NM_000390.4(CHM):c.1645G>C (p.Ala549Pro)

Gene: CHM (CHM Rab escort protein; minus strand). Cytogenetic location: Xq21.2.
Variant type: single nucleotide variant.
Coding change: c.1645G>C on transcript NM_000390.4 (MANE Select); coding-DNA position 1645, G replaced by C.
Protein change: p.Ala549Pro; replaces alanine 549 with proline.
Molecular consequence: missense variant.
Genome position (GRCh38, 1-based): chrX:85,873,177, C>G on the plus strand (G>C on the coding strand, the complement: CHM is on the minus strand). VCF-style: chrX-85873177-C-G. GRCh37 (hg19) VCF-style: chrX-85128182-C-G.
Other names: c.1201G>C, p.Ala401Pro (NM_001320959.1, NM_001362517.1, NM_001362518.2 and 1 more transcripts); short protein forms A401P, A549P.
Identifiers: ClinVar variation 804044 (VCV000804044.6), dbSNP rs1603234322, ClinGen allele CA413786910.

ClinVar aggregate classification (germline): Uncertain significance. Review status: criteria provided, multiple submitters, no conflicts (2 of 4 stars). 2 submissions from 2 submitters: Uncertain significance (2). Last evaluated 2021-09-15.

Conditions:
Choroideremia. Also called: Chorioretinal scalloped atrophy. Identifiers: Orphanet 180, MedGen C0008525, MONDO:0010557, OMIM 303100, HP:0001139.

Submissions (2):

Labcorp Genetics (formerly Invitae), Labcorp
Classification: Uncertain significance. Last evaluated: 2021-09-15. Review status: criteria provided, single submitter. Criteria: Invitae Variant Classification Sherloc (09022015). Collection method: clinical testing. Allele origin: germline.
Comment: Algorithms developed to predict the effect of missense changes on protein structure and function are either unavailable or do not agree on the potential impact of this missense change (SIFT: "Tolerated"; PolyPhen-2: "Possibly Damaging"; Align-GVGD: "Class C0"). In summary, the available evidence is currently insufficient to determine the role of this variant in disease. Therefore, it has been classified as a Variant of Uncertain Significance. This sequence change replaces alanine with proline at codon 549 of the CHM protein (p.Ala549Pro). The alanine residue is moderately conserved and there is a small physicochemical difference between alanine and proline. This variant is not present in population databases (ExAC no frequency). This variant has not been reported in the literature in individuals affected with CHM-related conditions. ClinVar contains an entry for this variant (Variation ID: 804044).

Mendelics
Classification: Uncertain significance for Choroideremia. Last evaluated: 2019-05-28. Review status: criteria provided, single submitter. Criteria: Mendelics Assertion Criteria 2017. Collection method: clinical testing. Allele origin: unknown.